The following is an entry in ClinVar:

NM_001270974.2(HYDIN):c.7487_7493dup (p.Gln2499fs)

Gene: HYDIN (HYDIN axonemal central pair apparatus protein; minus strand). Cytogenetic location: 16q22.2.
Variant type: Duplication.
Coding change: c.7487_7493dup on transcript NM_001270974.2 (MANE Select); coding-DNA positions 7487 to 7493, 7 bases duplicated (ACCAGCG; older notation c.7487_7493dupACCAGCG).
Protein change: p.Gln2499fs; shifts the reading frame from glutamine 2499.
Molecular consequence: frameshift variant.
Genome position (GRCh38, 1-based): chr16:70,920,883-70,920,889, CGCTGGT duplicated on the plus strand (ACCAGCG on the coding strand, the reverse complement: HYDIN is on the minus strand); duplicating any 7 consecutive bases within chr16:70,920,883-70,920,891 gives the same sequence; the c. name uses the placement nearest the transcript's 3' end. VCF-style (leftmost placement, unchanged base first): chr16-70920882-G-GCGCTGGT. GRCh37 (hg19) VCF-style: chr16-70954785-G-GCGCTGGT.
Other names: short protein forms Q2499fs.
Identifiers: ClinVar variation 4880117 (VCV004880117.1).

ClinVar aggregate classification (germline): Likely pathogenic (1 of 4 stars; one submission).

Conditions:
Primary ciliary dyskinesia. Also called: Ciliary dyskinesia. Identifiers: Orphanet 244, MedGen C0008780, MONDO:0016575, HP:0012265.

Submission:

Department of Human Genetics, Hannover Medical School
Classification: Likely pathogenic for Primary Ciliary Dyskinesia. Last evaluated: 2026-04-01. Review status: criteria provided, single submitter. Criteria: ACMG Guidelines, 2015. Collection method: research. Allele origin: germline. Affected: no.
Comment: Classification performed by HerediClassify using the following criteria:['PM2_supporting: Variant occures does not occur as homozygous in gnomAD.', 'PVS1_protein_very_strong: Transcript ENST00000393567 is predicted to undergo NMD. ']